The following is an entry in ClinVar:

ClinVar aggregate classification (germline): Pathogenic (1 of 4 stars; one submission).

Conditions:
Polydactyly, postaxial, type A9. Identifiers: MedGen C4748721, MONDO:0032603, OMIM 618219.

Allele frequency attached by ClinVar (database versions not stated): ESP Exome Variant Server 0.00008; gnomAD exomes below 0.00001; gnomAD 0.00001; TOPMed 0.00002.
gnomAD v4.1: 7 of 1,610,268 alleles (0.00043%); highest among the groups gnomAD compares: African/African-American, 0.0027%; no homozygotes.

Submission:

3billion
Classification: Pathogenic for Polydactyly, postaxial, type A9. Last evaluated: 2022-05-22. Review status: criteria provided, single submitter. Criteria: ACMG Guidelines, 2015. Collection method: clinical testing. Allele origin: germline. Affected: yes. Observed: 1 homozygote.
Comment: The variant is observed at an extremely low frequency in the gnomAD v2.1.1 dataset (total allele frequency: <0.001%). Stop-gained (nonsense): predicted to result in a loss or disruption of normal protein function through nonsense-mediated decay (NMD) or protein truncation. A pathogenic variant is reported downstream of the variant. Therefore, this variant is classified as likely pathogenic according to the recommendation of ACMG/AMP guideline.

NM_145269.5(CIBAR1):c.364C>T (p.Arg122Ter)

Gene: CIBAR1 (CBY1 interacting BAR domain containing 1; plus strand). Cytogenetic location: 8q22.1.
Variant type: single nucleotide variant.
Coding change: c.364C>T on transcript NM_145269.5 (MANE Select); coding-DNA position 364, C replaced by T.
Protein change: p.Arg122Ter; replaces arginine 122 with a stop codon.
Molecular consequence: nonsense. On other transcripts: non-coding transcript variant (5).
Genome position (GRCh38, 1-based): chr8:93,704,942, C>T. VCF-style: chr8-93704942-C-T. GRCh37 (hg19) VCF-style: chr8-94717170-C-T.
Other names: c.364C>T, p.Arg122Ter (NM_001283034.2); short protein forms R122*.
Identifiers: ClinVar variation 1687560 (VCV001687560.1), dbSNP rs373275688, ClinGen allele CA181306567.
Genomic context (GRCh38, chr8:93,704,942, plus strand): 5'-TACTAACAAAAAAATGCCAATTTGCAGGATGACCTCAAAGCAACACTCACAGCAAGGAAT[C>T]GAGAAGCTAAGCAATTAACTCAGTTAGAAAGAACACGTCAGCGAAACCCATCTGATCGAC-3'